The following is an entry in ClinVar:

NM_001386795.1(DTNA):c.2158G>A (p.Asp720Asn)

Gene: DTNA (dystrobrevin alpha; plus strand). Cytogenetic location: 18q12.1.
Variant type: single nucleotide variant.
Coding change: c.2158G>A on transcript NM_001386795.1 (MANE Select); coding-DNA position 2158, G replaced by A.
Protein change: p.Asp720Asn; replaces aspartic acid 720 with asparagine.
Molecular consequence: missense variant.
Genome position (GRCh38, 1-based): chr18:34,879,715, G>A. VCF-style: chr18-34879715-G-A. GRCh37 (hg19) VCF-style: chr18-32459679-G-A.
Other names: c.1897G>A, p.Asp633Asn (NM_001198938.2, NM_001386763.1, NM_001386764.1 and 5 more transcripts); c.1918G>A, p.Asp640Asn (NM_001198939.2); c.1987G>A, p.Asp663Asn (NM_001386758.1, NM_001386759.1, NM_001386754.1 and 3 more transcripts); c.1984G>A, p.Asp662Asn (NM_001386760.1); c.1906G>A, p.Asp636Asn (NM_001386761.1, NM_032975.4); c.1903G>A, p.Asp635Asn (NM_001386762.1); c.2077G>A (NM_001390.4); c.1204G>A, p.Asp402Asn (NM_001198942.1); and 6 more; short protein forms D633N, D635N, D720N, D640N, D341N, D345N, D636N, D693N.
Identifiers: ClinVar variation 2962752 (VCV002962752.4), dbSNP rs778924121, ClinGen allele CA8935943.

ClinVar aggregate classification (germline): Uncertain significance. Review status: criteria provided, multiple submitters, no conflicts (2 of 4 stars). 2 submissions from 2 submitters: Uncertain significance (2). Last evaluated 2026-05-29.

Conditions:
DTNA-related disorder. Also called: DTNA-related condition.
Left ventricular noncompaction 1 (LVNC1). Also called: LEFT VENTRICULAR NONCOMPACTION 1 WITH OR WITHOUT CONGENITAL HEART DEFECTS. Identifiers: Orphanet 54260, MedGen C1858725, MONDO:0011403, OMIM 604169.

Allele frequency attached by ClinVar (database versions not stated): ExAC 0.00001; gnomAD 0.00001; TOPMed 0.00003.
gnomAD v4.1: 30 of 1,613,880 alleles (0.0019%); highest among the groups gnomAD compares: Middle Eastern, 0.099%; no homozygotes.

Submissions (2):

PreventionGenetics, part of Exact Sciences
Classification: Uncertain significance for DTNA-related condition. Last evaluated: 2026-05-29. Review status: criteria provided, single submitter. Criteria: ACMG Guidelines, 2015. Collection method: clinical testing. Allele origin: germline.
Comment: The DTNA c.2077G>A variant is predicted to result in the amino acid substitution p.Asp693Asn. To our knowledge, this variant has not been reported in the literature. This variant is reported in 0.0065% of alleles in individuals of South Asian descent in gnomAD. At this time, the clinical significance of this variant is uncertain due to the absence of conclusive functional and genetic evidence.

Labcorp Genetics (formerly Invitae), Labcorp
Classification: Uncertain significance for Left ventricular noncompaction 1. Last evaluated: 2025-04-17. Review status: criteria provided, single submitter. Criteria: Invitae Variant Classification Sherloc (09022015). Collection method: clinical testing. Allele origin: germline.
Comment: This sequence change replaces aspartic acid, which is acidic and polar, with asparagine, which is neutral and polar, at codon 693 of the DTNA protein (p.Asp693Asn). This variant is present in population databases (rs778924121, gnomAD 0.007%). This variant has not been reported in the literature in individuals affected with DTNA-related conditions. ClinVar contains an entry for this variant (Variation ID: 2962752). An algorithm developed to predict the effect of missense changes on protein structure and function (PolyPhen-2) suggests that this variant is likely to be tolerated. In summary, the available evidence is currently insufficient to determine the role of this variant in disease. Therefore, it has been classified as a Variant of Uncertain Significance.